The following is an entry in ClinVar:

ClinVar aggregate classification (germline): Uncertain significance (1 of 4 stars; one submission).

Conditions:
Thrombophilia due to protein S deficiency, autosomal recessive (THPH6). Identifiers: Orphanet 743, MedGen C3281092, MONDO:0013791, OMIM 614514. Disease mechanism: loss of function.

gnomAD v4.1: 1 of 1,614,126 alleles (0.000062%); highest among the groups gnomAD compares: Admixed American, 0.0017%; no homozygotes.

Submission:

Labcorp Genetics (formerly Invitae), Labcorp
Classification: Uncertain significance for Thrombophilia due to protein S deficiency, autosomal recessive. Last evaluated: 2025-12-03. Review status: criteria provided, single submitter. Criteria: Invitae Variant Classification Sherloc (09022015). Collection method: clinical testing. Allele origin: germline.
Comment: This sequence change replaces glutamic acid, which is acidic and polar, with glycine, which is neutral and non-polar, at codon 342 of the PROS1 protein (p.Glu342Gly). This variant is not present in population databases (gnomAD no frequency). This variant has not been reported in the literature in individuals affected with PROS1-related conditions. Invitae Evidence Modeling of protein sequence and biophysical properties (such as structural, functional, and spatial information, amino acid conservation, physicochemical variation, residue mobility, and thermodynamic stability) indicates that this missense variant is not expected to disrupt PROS1 protein function with a negative predictive value of 80%. In summary, the available evidence is currently insufficient to determine the role of this variant in disease. Therefore, it has been classified as a Variant of Uncertain Significance.

NM_000313.4(PROS1):c.1025A>G (p.Glu342Gly)

Gene: PROS1 (protein S; minus strand). Cytogenetic location: 3q11.1.
Variant type: single nucleotide variant.
Coding change: c.1025A>G on transcript NM_000313.4 (MANE Select); coding-DNA position 1025, A replaced by G.
Protein change: p.Glu342Gly; replaces glutamic acid 342 with glycine.
Molecular consequence: missense variant.
Genome position (GRCh38, 1-based): chr3:93,893,063, T>C on the plus strand (A>G on the coding strand, the complement: PROS1 is on the minus strand). VCF-style: chr3-93893063-T-C. GRCh37 (hg19) VCF-style: chr3-93611907-T-C.
Other names: c.1121A>G, p.Glu374Gly (NM_001314077.2); short protein forms E342G, E374G.
Identifiers: ClinVar variation 4708755 (VCV004708755.1).